The following is an entry in ClinVar:

ClinVar aggregate classification (germline): Uncertain significance (1 of 4 stars; one submission).

Conditions:
Primary ciliary dyskinesia. Also called: Ciliary dyskinesia. Identifiers: Orphanet 244, MedGen C0008780, MONDO:0016575, HP:0012265.

Allele frequency attached by ClinVar (database versions not stated): gnomAD 0.00001; gnomAD exomes 0.00001; ExAC 0.00002; TOPMed 0.00003.
gnomAD v4.1: 10 of 1,614,128 alleles (0.00062%); highest among the groups gnomAD compares: East Asian, 0.016%; no homozygotes.

Submission:

Labcorp Genetics (formerly Invitae), Labcorp
Classification: Uncertain significance for Primary ciliary dyskinesia. Last evaluated: 2022-05-05. Review status: criteria provided, single submitter. Criteria: Invitae Variant Classification Sherloc (09022015). Collection method: clinical testing. Allele origin: germline.
Comment: This variant has not been reported in the literature in individuals affected with RSPH1-related conditions. In summary, the available evidence is currently insufficient to determine the role of this variant in disease. Therefore, it has been classified as a Variant of Uncertain Significance. Algorithms developed to predict the effect of sequence changes on RNA splicing suggest that this variant may disrupt the consensus splice site. This variant is present in population databases (rs760988186, gnomAD 0.04%). This sequence change affects codon 158 of the RSPH1 mRNA. It is a 'silent' change, meaning that it does not change the encoded amino acid sequence of the RSPH1 protein.

NM_080860.4(RSPH1):c.474G>A (p.Arg158=)

Gene: RSPH1 (radial spoke head component 1; minus strand). Cytogenetic location: 21q22.3.
Variant type: single nucleotide variant.
Coding change: c.474G>A on transcript NM_080860.4 (MANE Select); coding-DNA position 474, G replaced by A.
Protein change: p.Arg158=; no amino-acid change (arginine 158 retained).
Molecular consequence: synonymous variant.
Genome position (GRCh38, 1-based): chr21:42,485,696, C>T on the plus strand (G>A on the coding strand, the complement: RSPH1 is on the minus strand). VCF-style: chr21-42485696-C-T. GRCh37 (hg19) VCF-style: chr21-43905806-C-T.
Other names: c.360G>A, p.Arg120= (NM_001286506.2).
Identifiers: ClinVar variation 2417954 (VCV002417954.14), dbSNP rs760988186, ClinGen allele CA10043925.